The following is an entry in ClinVar:

ClinVar aggregate classification (germline): Uncertain significance (1 of 4 stars; one submission).

Conditions:
Hereditary cancer-predisposing syndrome. Also called: Neoplastic Syndromes, Hereditary; Tumor predisposition; Hereditary Cancer Syndrome; Hereditary neoplastic syndrome. Identifiers: Orphanet 140162, MedGen C0027672, MeSH D009386, MONDO:0015356.

Submission:

Ambry Genetics
Classification: Uncertain significance for Hereditary cancer-predisposing syndrome. Last evaluated: 2023-08-29. Review status: criteria provided, single submitter. Criteria: Ambry Variant Classification Scheme 2023. Collection method: clinical testing. Allele origin: germline.
Comment: The p.P597S variant (also known as c.1789C>T), located in coding exon 10 of the ATM gene, results from a C to T substitution at nucleotide position 1789. The proline at codon 597 is replaced by serine, an amino acid with similar properties. This amino acid position is highly conserved in available vertebrate species. In addition, the in silico prediction for this alteration is inconclusive. Since supporting evidence is limited at this time, the clinical significance of this alteration remains unclear.

NM_000051.4(ATM):c.1789C>T (p.Pro597Ser)

Gene: ATM (ATM serine/threonine kinase; plus strand). Cytogenetic location: 11q22.3.
Variant type: single nucleotide variant.
Coding change: c.1789C>T on transcript NM_000051.4 (MANE Select); coding-DNA position 1789, C replaced by T.
Protein change: p.Pro597Ser; replaces proline 597 with serine.
Molecular consequence: missense variant.
Genome position (GRCh38, 1-based): chr11:108,252,018, C>T. VCF-style: chr11-108252018-C-T. GRCh37 (hg19) VCF-style: chr11-108122745-C-T.
Other names: c.1789C>T, p.Pro597Ser (NM_001351834.2); short protein forms P597S.
Identifiers: ClinVar variation 1780150 (VCV001780150.3), dbSNP rs1555072070, ClinGen allele CA382535547.